The following is an entry in ClinVar:

NM_003565.4(ULK1):c.2871G>A (p.Leu957=)

Gene: ULK1 (unc-51 like autophagy activating kinase 1; plus strand). Cytogenetic location: 12q24.33.
Variant type: single nucleotide variant.
Coding change: c.2871G>A on transcript NM_003565.4 (MANE Select); coding-DNA position 2871, G replaced by A.
Protein change: p.Leu957=; no amino-acid change (leucine 957 retained).
Molecular consequence: synonymous variant.
Genome position (GRCh38, 1-based): chr12:131,920,046, G>A. VCF-style: chr12-131920046-G-A. GRCh37 (hg19) VCF-style: chr12-132404591-G-A.
Identifiers: ClinVar variation 786796 (VCV000786796.28), dbSNP rs61731339, ClinGen allele CA6883765.
Genomic context (GRCh38, chr12:131,920,046, plus strand): 5'-CAGGCTGAATGAGCTGTACAAGGCCAGCGTGGTGTCCTGCCAGGGCCTGAGCCTGCGGCT[G>A]CAGCGCTTCTTCCTGGACAAGCAGCGGCTCCTGGACCGCATTCACAGCATCACTGCCGAG-3'
Protein context (NP_003556.2, residues 947-967): VVSCQGLSLR[Leu957=]QRFFLDKQRL

ClinVar aggregate classification (germline): Benign/Likely benign. Review status: criteria provided, multiple submitters, no conflicts (2 of 4 stars). 3 submissions from 3 submitters: Benign (2); Likely benign (1). Last evaluated 2023-09-01.

Allele frequency attached by ClinVar (database versions not stated): gnomAD exomes 0.00060; ExAC 0.00069; 1000 Genomes Project 0.00200; 1000 Genomes Project 30x 0.00219; gnomAD 0.00235 and 0.00249; ESP Exome Variant Server 0.00262; TOPMed 0.00263.
gnomAD v4.1: 774 of 1,612,856 alleles (0.048%); highest among the groups gnomAD compares: African/African-American, 0.81%; 5 homozygotes.

Submissions (3):

CeGaT Center for Human Genetics Tuebingen
Classification: Likely benign. Last evaluated: 2023-09-01. Review status: criteria provided, single submitter. Criteria: CeGaT Center For Human Genetics Tuebingen Variant Classification Criteria Version 2. Collection method: clinical testing. Allele origin: germline. Affected: yes. Observed: 1 variant allele.
Comment: ULK1: BP4, BP7, BS2

Labcorp Genetics (formerly Invitae), Labcorp
Classification: Benign. Last evaluated: 2018-04-04. Review status: criteria provided, single submitter. Criteria: Invitae Variant Classification Sherloc (09022015). Collection method: clinical testing. Allele origin: germline.

Breakthrough Genomics
Classification: Benign. Review status: criteria provided, single submitter. Criteria: ACMG Guidelines, 2015. Collection method: not provided. Allele origin: germline. Inheritance: Unknown mechanism. Affected: yes.